The following is an entry in ClinVar:

NC_000001.10:g.(235914663_235915304)_(235916575_235918777)del

Gene: LYST (lysosomal trafficking regulator; minus strand). Cytogenetic location: 1q42.3.
Variant type: Deletion.
Identifiers: ClinVar variation 3366399 (VCV003366399.1).

ClinVar aggregate classification (germline): Pathogenic (1 of 4 stars; one submission).

Conditions:
Chédiak-Higashi syndrome (CHS). Also called: Chediak-Higashi Syndrome. Identifiers: Orphanet 167, MedGen C0007965, MONDO:0008963, OMIM 214500.

Submission:

Women's Health and Genetics/Laboratory Corporation of America, LabCorp
Classification: Pathogenic for Chédiak-Higashi syndrome. Last evaluated: 2024-08-28. Review status: criteria provided, single submitter. Criteria: LabCorp Variant Classification Summary - May 2015. Collection method: clinical testing. Allele origin: germline.
Comment: Variant summary: The variant involves the deletion of exons 26-27 in the LYST gene. A presumed nomenclature of c.(7229+1_7230-1)_(7627+1_7628-1)del has been designated for the purposes of this classification. This Copy Number Variant (CNV) is expected to alter the reading frame and predicted to result in a truncation or absence of the encoded protein due to nonsense mediated decay (NMD). The variant was absent in 21694 control chromosomes. To our knowledge, no occurrence of c.(7229+1_7230-1)_(7627+1_7628-1)del in individuals affected with Chediak-Higashi Syndrome. No submitters have cited clinical-significance assessments for this variant to ClinVar. Based on the evidence outlined above, the variant was classified as pathogenic.